The following is an entry in ClinVar:

ClinVar aggregate classification (germline): Uncertain significance (1 of 4 stars; one submission).

Allele frequency attached by ClinVar (database versions not stated): TOPMed below 0.00001; gnomAD exomes 0.00001; ExAC 0.00002.
gnomAD v4.1: 18 of 1,613,238 alleles (0.0011%); highest among the groups gnomAD compares: South Asian, 0.0066%; no homozygotes.

Submission:

Labcorp Genetics (formerly Invitae), Labcorp
Classification: Uncertain significance. Last evaluated: 2023-07-06. Review status: criteria provided, single submitter. Criteria: Invitae Variant Classification Sherloc (09022015). Collection method: clinical testing. Allele origin: germline.
Comment: In summary, the available evidence is currently insufficient to determine the role of this variant in disease. Therefore, it has been classified as a Variant of Uncertain Significance. This variant is present in population databases (rs766029214, gnomAD 0.01%). Advanced modeling of protein sequence and biophysical properties (such as structural, functional, and spatial information, amino acid conservation, physicochemical variation, residue mobility, and thermodynamic stability) performed at Invitae indicates that this missense variant is not expected to disrupt ERBB2 protein function. This variant has not been reported in the literature in individuals affected with ERBB2-related conditions. This sequence change replaces alanine, which is neutral and non-polar, with threonine, which is neutral and polar, at codon 622 of the ERBB2 protein (p.Ala622Thr).

NM_004448.4(ERBB2):c.1864G>A (p.Ala622Thr)

Gene: ERBB2 (erb-b2 receptor tyrosine kinase 2; plus strand). Cytogenetic location: 17q12.
Variant type: single nucleotide variant.
Coding change: c.1864G>A on transcript NM_004448.4 (MANE Select); coding-DNA position 1864, G replaced by A.
Protein change: p.Ala622Thr; replaces alanine 622 with threonine.
Molecular consequence: missense variant. On other transcripts: non-coding transcript variant (1), intron variant (1).
Genome position (GRCh38, 1-based): chr17:39,717,446, G>A. VCF-style: chr17-39717446-G-A. GRCh37 (hg19) VCF-style: chr17-37873699-G-A.
Other names: c.1819G>A, p.Ala607Thr (NM_001289936.2); c.1774G>A, p.Ala592Thr (NM_001005862.3, NM_001382783.1, NM_001289938.2 and 1 more transcripts); c.1864G>A, p.Ala622Thr (NM_001382793.1, NM_001382794.1, NM_001382795.1 and 9 more transcripts); c.1684G>A, p.Ala562Thr (NM_001382799.1); c.1606G>A, p.Ala536Thr (NM_001382802.1); c.1036G>A, p.Ala346Thr (NM_001382804.1); c.1222+2087G>A (NM_001382806.1); c.1981G>A, p.Ala661Thr (NM_001382784.1, NM_001382786.1); and 6 more; short protein forms A536T, A647T, A592T, A607T, A346T, A622T, A629T, A632T.
Identifiers: ClinVar variation 2889929 (VCV002889929.3), dbSNP rs766029214, ClinGen allele CA8534128.
Genomic context (GRCh38, chr17:39,717,446, plus strand): 5'-AGCGGTGTGAAACCTGACCTCTCCTACATGCCCATCTGGAAGTTTCCAGATGAGGAGGGC[G>A]CATGCCAGCCTTGCCCCATCAACTGCACCCACTCGTGAGTCCAACGGTCTTTTCTGCAGA-3'
Protein context (NP_004439.2, residues 612-632): PIWKFPDEEG[Ala622Thr]CQPCPINCTH